The following is an entry in ClinVar:

ClinVar aggregate classification (germline): Uncertain significance (1 of 4 stars; one submission).

Submission:

Labcorp Genetics (formerly Invitae), Labcorp
Classification: Uncertain significance. Last evaluated: 2021-03-25. Review status: criteria provided, single submitter. Criteria: Invitae Variant Classification Sherloc (09022015). Collection method: clinical testing. Allele origin: germline.
Comment: In summary, the available evidence is currently insufficient to determine the role of this variant in disease. Therefore, it has been classified as a Variant of Uncertain Significance. Algorithms developed to predict the effect of missense changes on protein structure and function are either unavailable or do not agree on the potential impact of this missense change (SIFT: "Deleterious"; PolyPhen-2: "Probably Damaging"; Align-GVGD: "Class C0"). This variant has not been reported in the literature in individuals with SCN3A-related conditions. This variant is not present in population databases (ExAC no frequency). This sequence change replaces threonine with isoleucine at codon 713 of the SCN3A protein (p.Thr713Ile). The threonine residue is highly conserved and there is a moderate physicochemical difference between threonine and isoleucine.

NM_006922.4(SCN3A):c.2138C>T (p.Thr713Ile)

Gene: SCN3A (sodium voltage-gated channel alpha subunit 3; minus strand). Cytogenetic location: 2q24.3.
Variant type: single nucleotide variant.
Coding change: c.2138C>T on transcript NM_006922.4 (MANE Select); coding-DNA position 2138, C replaced by T.
Protein change: p.Thr713Ile; replaces threonine 713 with isoleucine.
Molecular consequence: missense variant.
Genome position (GRCh38, 1-based): chr2:165,139,490, G>A on the plus strand (C>T on the coding strand, the complement: SCN3A is on the minus strand). VCF-style: chr2-165139490-G-A. GRCh37 (hg19) VCF-style: chr2-165996000-G-A.
Other names: c.1991C>T, p.Thr664Ile (NM_001081676.2, NM_001081677.2); short protein forms T664I, T713I.
Identifiers: ClinVar variation 1475872 (VCV001475872.8), dbSNP rs2105806408, ClinGen allele CA349045533.